The following is an entry in ClinVar:

NM_001165963.4(SCN1A):c.650C>A (p.Thr217Lys)

Gene: SCN1A (sodium voltage-gated channel alpha subunit 1; minus strand). Cytogenetic location: 2q24.3.
Variant type: single nucleotide variant.
Coding change: c.650C>A on transcript NM_001165963.4 (MANE Select); coding-DNA position 650, C replaced by A.
Protein change: p.Thr217Lys; replaces threonine 217 with lysine.
Molecular consequence: missense variant. On other transcripts: 5 prime UTR variant (1), non-coding transcript variant (1).
Genome position (GRCh38, 1-based): chr2:166,052,896, G>T on the plus strand (C>A on the coding strand, the complement: SCN1A is on the minus strand). VCF-style: chr2-166052896-G-T. GRCh37 (hg19) VCF-style: chr2-166909406-G-T.
Other names: c.650C>A, p.Thr217Lys (NM_001165964.3, NM_001202435.3, NM_001353948.2 and 10 more transcripts); c.-1776C>A (NM_001353961.2); short protein forms T217K.
Identifiers: ClinVar variation 68577 (VCV000068577.7), dbSNP rs121917936, ClinGen allele CA285039.
Genomic context (GRCh38, chr2:166,052,896, plus strand): 5'-CTAACCTTGCTCTCACCTGGAATGACTGAAATCGTCTTCAATGCTCGGAGAACTCTGAAT[G>T]TTCTCAATGCCGAGACATTGCCCAGGTCCACAAACTCTGTGACGTACCTGTAATAGGGAG-3'
Protein context (NP_001159435.1, residues 207-227): VDLGNVSALR[Thr217Lys]FRVLRALKTI

ClinVar aggregate classification (germline): Pathogenic. Review status: criteria provided, multiple submitters, no conflicts (2 of 4 stars). 3 submissions from 3 submitters: Pathogenic (2). 1 of the submissions does not count toward it. Last evaluated 2025-11-06.

Conditions:
Early-infantile DEE. Also called: Early infantile epileptic encephalopathy; Early infantile epileptic encephalopathy with suppression bursts; Ohtahara syndrome. Identifiers: Orphanet 1934, MedGen C0393706, MONDO:0800491.
Severe myoclonic epilepsy in infancy (DRVT). Also called: SEVERE MYOCLONIC EPILEPSY OF INFANCY; DEVELOPMENTAL AND EPILEPTIC ENCEPHALOPATHY 6A; Severe Myoclonic Epilepsy in Infancy (SMEI); Dravet syndrome; Epileptic encephalopathy, early infantile, 6 (Dravet syndrome). Identifiers: Orphanet 33069, MedGen C0751122, MONDO:0100135, OMIM 607208.

Submissions (3):

Victorian Clinical Genetics Services, Murdoch Childrens Research Institute
Classification: Pathogenic for Severe myoclonic epilepsy in infancy. Last evaluated: 2025-11-06. Review status: criteria provided, single submitter. Criteria: ACMG Guidelines, 2015. Collection method: clinical testing. Allele origin: germline. Affected: yes.
Comment: This variant is classified as Pathogenic. Evidence in support of pathogenic classification: Variant is absent from gnomAD (v2, v3 and v4); This variant has limited previous evidence of pathogenicity in unrelated individual(s). This variant has been classified as pathogenic by a clinical laboratory in ClinVar, and has been reported in the literature as de novo in an individual with severe myoclonic epilepsy of infancy (SMEI) (PMID: 17054684); Other missense variant(s) comparable to the one identified in this case have moderate previous evidence for pathogenicity. p.(Thr217Ile) has been classified as likely pathogenic by a clinical laboratory in ClinVar. p.(Thr217Arg) has been reported in the literature in an individual with Dravet syndrome (PMIDs: 31400703, 31445158); Variant is located in a hotspot region or cluster of PATHOGENIC variants (Epilepsy Sodium Channel VCEP); Missense variant predicted to be damaging by in silico tool(s) or highly conserved with a major amino acid change; Additional information: Variant is predicted to result in a missense amino acid change from Thr to Lys; This variant is heterozygous; This gene is associated with autosomal dominant disease; Alternative amino acid change(s) at the same position are present in gnomAD (highest allele count: v4: 1 heterozygote(s), 0 homozygote(s)); No published evidence of segregation with disease has been identified for this variant; No published functional evidence has been identified for this variant; Loss of function and gain of function are known mechanisms of disease in this gene and are associated with SCN1A-related epilepsy (PMID: 28488083); The condition associated with this gene has incomplete penetrance. Penetrance has been noted to vary by phenotype (PMID: 20301494); Variants in this gene are known to have variable expressivity. Both intrafamilial and interfamilial variability have been observed (PMID: 20301494).

Labcorp Genetics (formerly Invitae), Labcorp
Classification: Pathogenic for Early-infantile DEE. Last evaluated: 2024-11-04. Review status: criteria provided, single submitter. Criteria: Invitae Variant Classification Sherloc (09022015). Collection method: clinical testing. Allele origin: germline.
Comment: This sequence change replaces threonine, which is neutral and polar, with lysine, which is basic and polar, at codon 217 of the SCN1A protein (p.Thr217Lys). This variant is not present in population databases (gnomAD no frequency). This missense change has been observed in individual(s) with severe myoclonic epilepsy of infancy (PMID: 17054684). In at least one individual the variant was observed to be de novo. ClinVar contains an entry for this variant (Variation ID: 68577). Invitae Evidence Modeling of protein sequence and biophysical properties (such as structural, functional, and spatial information, amino acid conservation, physicochemical variation, residue mobility, and thermodynamic stability) indicates that this missense variant is expected to disrupt SCN1A protein function with a positive predictive value of 95%. For these reasons, this variant has been classified as Pathogenic.

UniProtKB/Swiss-Prot
No classification provided. Condition: Severe myoclonic epilepsy in infancy. Review status: no classification provided. Collection method: not provided. Allele origin: unknown. Not counted in ClinVar's aggregate classification.

Literature cited by the submitters: PubMed 31400703 (cited by Victorian Clinical Genetics Services, Murdoch Childrens Research Institute); PubMed 28488083 (cited by Victorian Clinical Genetics Services, Murdoch Childrens Research Institute); PubMed 31445158 (cited by Victorian Clinical Genetics Services, Murdoch Childrens Research Institute); PubMed 20301494 (cited by Victorian Clinical Genetics Services, Murdoch Childrens Research Institute); PubMed 17054684 (cited by Victorian Clinical Genetics Services, Murdoch Childrens Research Institute and Labcorp Genetics (formerly Invitae), Labcorp).